The following is an entry in ClinVar:

ClinVar aggregate classification (germline): Uncertain significance (1 of 4 stars; one submission).

Submission:

Labcorp Genetics (formerly Invitae), Labcorp
Classification: Uncertain significance. Last evaluated: 2022-08-16. Review status: criteria provided, single submitter. Criteria: Invitae Variant Classification Sherloc (09022015). Collection method: clinical testing. Allele origin: germline.
Comment: This sequence change replaces glutamic acid, which is acidic and polar, with aspartic acid, which is acidic and polar, at codon 1176 of the ITPR1 protein (p.Glu1176Asp). In summary, the available evidence is currently insufficient to determine the role of this variant in disease. Therefore, it has been classified as a Variant of Uncertain Significance. Algorithms developed to predict the effect of missense changes on protein structure and function (SIFT, PolyPhen-2, Align-GVGD) all suggest that this variant is likely to be tolerated. This variant has not been reported in the literature in individuals affected with ITPR1-related conditions. This variant is not present in population databases (gnomAD no frequency).

NM_001378452.1(ITPR1):c.3600G>C (p.Glu1200Asp)

Gene: ITPR1 (inositol 1,4,5-trisphosphate receptor type 1; plus strand). Cytogenetic location: 3p26.1.
Variant type: single nucleotide variant.
Coding change: c.3600G>C on transcript NM_001378452.1 (MANE Select); coding-DNA position 3600, G replaced by C.
Protein change: p.Glu1200Asp; replaces glutamic acid 1200 with aspartic acid.
Molecular consequence: missense variant.
Genome position (GRCh38, 1-based): chr3:4,685,104, G>C. VCF-style: chr3-4685104-G-C. GRCh37 (hg19) VCF-style: chr3-4726788-G-C.
Other names: c.3573G>C, p.Glu1191Asp (NM_001099952.4); c.3555G>C, p.Glu1185Asp (NM_001168272.2); c.3528G>C, p.Glu1176Asp (NM_002222.7); short protein forms E1185D, E1176D, E1200D, E1191D.
Identifiers: ClinVar variation 2126446 (VCV002126446.4), dbSNP rs2469800385, ClinGen allele CA351651517.
Genomic context (GRCh38, chr3:4,685,104, plus strand): 5'-AGACTGATTTCTTTCATTCTACTAGATTTTGATTCGGCTTAGCAAACTCTGTGTTCAAGA[G>C]AGTGCCTCAGTGAGAAAGAGCAGGAAGCAGCAACAGCGTCTGCTCCGGAACATGGGCGCG-3'
Protein context (NP_001365381.1, residues 1190-1210): LIRLSKLCVQ[Glu1200Asp]SASVRKSRKQ